The following is an entry in ClinVar:

ClinVar aggregate classification (germline): Pathogenic. Review status: criteria provided, multiple submitters, no conflicts (2 of 4 stars). 2 submissions from 2 submitters: Pathogenic (2). Last evaluated 2026-04-20.

Conditions:
Landau-Kleffner syndrome (FESD). Also called: EPILEPSY, FOCAL, WITH SPEECH DISORDER AND WITH OR WITHOUT MENTAL RETARDATION; APHASIA, ACQUIRED, WITH EPILEPSY. Identifiers: Orphanet 1945, Orphanet 725, Orphanet 98818, MedGen C0282512, MONDO:0009509, OMIM 245570.

Submissions (2):

Institute of Human Genetics, University of Leipzig Medical Center
Classification: Pathogenic for Landau-Kleffner syndrome. Last evaluated: 2026-04-20. Review status: criteria provided, single submitter. Criteria: ACMG Guidelines, 2015. Collection method: clinical testing. Allele origin: unknown. Inheritance: Autosomal dominant inheritance. Affected: yes.
Comment: Criteria applied: PS3,PS4_MOD,PM1,PM2,PP3

GeneDx
Classification: Pathogenic. Last evaluated: 2026-03-31. Review status: criteria provided, single submitter. Criteria: GeneDx Variant Classification Process June 2021. Collection method: clinical testing. Allele origin: germline.
Comment: Published functional studies suggest a damaging effect [p.M705V disrupts agonist facilitated NMDAR activity and function] (PMID: 28242877, 27839871); Not observed at significant frequency in large population cohorts (gnomAD); In silico analysis supports that this missense variant has a deleterious effect on protein structure/function; This variant is associated with the following publications: (PMID: 27839871, 32712275, 37803141, 36516565, 33823469, 30544257, 28242877, 37369021, 23933819)

NM_001134407.3(GRIN2A):c.2113A>G (p.Met705Val)

Gene: GRIN2A (glutamate ionotropic receptor NMDA type subunit 2A; minus strand). Cytogenetic location: 16p13.2.
Variant type: single nucleotide variant.
Coding change: c.2113A>G on transcript NM_001134407.3 (MANE Select); coding-DNA position 2113, A replaced by G.
Protein change: p.Met705Val; replaces methionine 705 with valine.
Molecular consequence: missense variant.
Genome position (GRCh38, 1-based): chr16:9,822,319, T>C on the plus strand (A>G on the coding strand, the complement: GRIN2A is on the minus strand). VCF-style: chr16-9822319-T-C. GRCh37 (hg19) VCF-style: chr16-9916176-T-C.
Other names: c.2113A>G, p.Met705Val (NM_000833.5, NM_001134408.2); c.2113A>G (NM_000833.3); short protein forms M705V.
Identifiers: ClinVar variation 1325870 (VCV001325870.4), dbSNP rs2141294795, ClinGen allele CA394797771.